The following is an entry in ClinVar:

NM_001264.5(CDSN):c.1358G>A (p.Ser453Asn)

Genes: CDSN (corneodesmosin; minus strand), PSORS1C1 (psoriasis susceptibility 1 candidate 1; plus strand). Cytogenetic location: 6p21.33.
Variant type: single nucleotide variant.
Coding change: c.1358G>A on transcript NM_001264.5 (MANE Select); coding-DNA position 1358, G replaced by A.
Protein change: p.Ser453Asn; replaces serine 453 with asparagine.
Molecular consequence: missense variant. On other transcripts: intron variant (1).
Genome position (GRCh38, 1-based): chr6:31,116,257, C>T on the plus strand (G>A on the coding strand, the complement: CDSN is on the minus strand). VCF-style: chr6-31116257-C-T. GRCh37 (hg19) VCF-style: chr6-31084034-C-T.
Other names: c.-229+1366C>T (NM_014068.3); short protein forms S453N.
Identifiers: ClinVar variation 802196 (VCV000802196.13), dbSNP rs117951780, ClinGen allele CA3708325.

ClinVar aggregate classification (germline): Benign. Review status: criteria provided, multiple submitters, no conflicts (2 of 4 stars). 4 submissions from 4 submitters: Benign (3). 1 of the submissions does not count toward it. Last evaluated 2026-02-03.

Conditions:
CDSN-related disorder. Also called: CDSN-related condition.
Peeling skin syndrome 1 (PSS1). Also called: KERATOLYSIS EXFOLIATIVA CONGENITA; SKIN PEELING, FAMILIAL CONTINUOUS GENERALIZED; Peeling skin syndrome type B. Identifiers: Orphanet 263543, Orphanet 263553, MedGen C5679693, MONDO:0024548, OMIM 270300.

Allele frequency attached by ClinVar (database versions not stated): gnomAD 0.00494; ESP Exome Variant Server 0.00600; TOPMed 0.00753; ExAC 0.01856; 1000 Genomes Project 30x 0.02498; 1000 Genomes Project 0.02636.
gnomAD v4.1: 20,143 of 1,614,052 alleles (1.2%); highest among the groups gnomAD compares: South Asian, 7.2%; 596 homozygotes.

Submissions (4):

Labcorp Genetics (formerly Invitae), Labcorp
Classification: Benign. Last evaluated: 2026-02-03. Review status: criteria provided, single submitter. Criteria: Invitae Variant Classification Sherloc (09022015). Collection method: clinical testing. Allele origin: germline.

Mendelics
Classification: Benign for Peeling skin syndrome 1. Last evaluated: 2019-05-28. Review status: criteria provided, single submitter. Criteria: Mendelics Assertion Criteria 2017. Collection method: clinical testing. Allele origin: unknown.

GeneDx
Classification: Benign. Last evaluated: 2018-11-10. Review status: criteria provided, single submitter. Criteria: GeneDx Variant Classification Process June 2021. Collection method: clinical testing. Allele origin: germline. Affected: yes.
Comment: This variant is associated with the following publications: (PMID: 25473393)

PreventionGenetics, part of Exact Sciences
Classification: Benign for CDSN-related condition. Last evaluated: 2019-03-08. Review status: no assertion criteria provided. Collection method: clinical testing. Allele origin: germline. Not counted in ClinVar's aggregate classification.
Comment: This variant is classified as benign based on ACMG/AMP sequence variant interpretation guidelines (Richards et al. 2015 PMID: 25741868, with internal and published modifications).